The following continues an entry in ClinVar:

NM_000540.3(RYR1):c.7300G>A (p.Gly2434Arg)

Gene: RYR1. ClinVar aggregate classification (germline): Pathogenic; drug response. Pathogenic (1).

Submissions 21 to 28 of 45:

Clinical Genomics Laboratory, Washington University in St. Louis
Classification: Pathogenic for Malignant hyperthermia, susceptibility to, 1. Last evaluated: 2024-10-28. Review status: criteria provided, single submitter. Criteria: ACMG Guidelines, 2015. Collection method: clinical testing. Allele origin: germline. Affected: yes. Not counted in ClinVar's aggregate classification.
Comment: The RYR1 c.7300G>A (p.Gly2434Arg) variant has been reported in multiple individuals affected with malignant hyperthermia reaction with positive in vitro contracture test (IVCT) or caffeine halothane contracture test (CHCT) result and is reported to segregate with disease in at least 20 individuals (Keating KE et al., PMID: 7849712; Sambuughin N et al., PMID: 11575529; Snoeck M et al., PMID: 25960145; Rueffert H et al., PMID: 12059893). This variant has been reported in the ClinVar database as a pathogenic variant by 24 submitters (Variation ID: 12970). This variant has been classified in the ClinVar database by an expert panel as Pathogenic. This variant is only observed on 11 out of 282,648 alleles in the general population (gnomAD v.2.1.1), indicating it is not a common variant. This variant resides within the RIH domain of RYR1, which is defined as a critical functional domain (Johnston JJ et al., PMID: 33767344; MacLennan DH et al., PMID: 21118704). Computational predictors indicate that the variant is damaging, evidence that correlates with impact on RYR1 function. Functional studies show susceptibility to malignant hyperthermia due to volatile anesthetics in knock-in mice and increased sensitivity to RYR1 agonists for knock-in myotubes in ex vivo assays, indicating that this variant impacts protein function (Lopez JR et al., PMID: 30236258; Murayama T et al., PMID: 27586648). Based on available information and the RYR1-specific malignant hyperthermia ACMG/AMP guidelines for variant interpretation (Johnston JJ et al., PMID: 33767344; Richards S et al., PMID: 25741868), this variant is classified as pathogenic.

All of Us Research Program, National Institutes of Health
Classification: Pathogenic for Malignant hyperthermia, susceptibility to, 1. Last evaluated: 2024-09-27. Review status: criteria provided, single submitter. Criteria: ACMG Guidelines, 2015. Collection method: clinical testing. Allele origin: germline. Inheritance: Autosomal dominant inheritance. Observed: 13 variant alleles, 13 heterozygotes. Not counted in ClinVar's aggregate classification.
Comment: The c.7300G>A (p.Gly2434Arg) variant, located on the exon 45 of the RYR1 gene, replaces glycine with arginine at codon 2434 of the RYR1 protein (p.Gly2434Arg). This missense change has been observed in >100 individuals with personal or family histories of a malignant hyperthermia reaction, positive in vitro contracture test (IVCT) or caffeine halothane contracture test (CHCT) (PMID: 30236257, 10484775, 23558838, 16163667, 21455645, 23842196, 7849712, 7881417, 11575529, 15731587, 11668625, 12059893, 12151923, 31559918, 10700782, 17081125, 18564801, 20681998, 21965348, 23460944, 25735680, 25960145, 9030597, 25268394, 17667681). This variant segregates with malignant hyperthermia (MHS) in at least 20 individuals (PMID: 7849712, 11575529, 12059893, 25960145). This missense variant is located in a mutational hot spot region that contributes to MHS (PMID: 21118704). A functional study in HEK293 cells shows an increased sensitivity to RYR1 agonists (PMID: 27586648). Such effect was confirmed in human skeletal muscle specimens isolated from MHS individuals carrying this RYR1 variant (PMID:9030597). Additionally, p.Gly2434Arg knock-in mice are susceptible to malignant hyperthermia due to volatile anesthetics, and ex vivo assays demonstrate increased sensitivity to RYR1 agonists for knock-in myotubes (PMID:30236258). Computational prediction (REVEL >0.85) suggests that this variant may have deleterious impact on protein structure and function. For these reasons, the c.7300G>A (p.Gly2434Arg) variant of RYR1 is classified as pathogenic.

This study involves interpretation of variants in research participants for the purpose of population health screening. Participant phenotype was not available at the time of variant classification. Additional details can be found in publication PMID: 35346344, PMCID: PMC8962531

Blueprint Genetics
Classification: Pathogenic for RYR1-related disorders. Last evaluated: 2024-09-10. Review status: criteria provided, single submitter. Criteria: ACMG Guidelines, 2015. Collection method: clinical testing. Allele origin: germline. Affected: yes. Observed: 5 variant alleles. Not counted in ClinVar's aggregate classification.

Athena Diagnostics
Classification: Pathogenic. Last evaluated: 2024-08-28. Review status: criteria provided, single submitter. Criteria: Athena Diagnostics Criteria. Collection method: clinical testing. Allele origin: unknown. Not counted in ClinVar's aggregate classification.
Comment: The frequency of this variant in the general population is consistent with pathogenicity (Genome Aggregation Database (gnomAD), Cambridge, MA (URL)). This variant segregates with disease in multiple families with susceptibility to malignant hyperthermia. Computational tools yielded predictions that this variant may result in the gain of a cryptic splice site without affecting the natural splice sites. This variant is also referred to as p.Gly2433Arg and p.Gly2435Arg in some published literature. Assessment of experimental evidence suggests this variant results in abnormal protein function. (PMID: 9334205, 30236258, 27586648)

Color Diagnostics, LLC DBA Color Health
Classification: Pathogenic for Malignant hyperthermia, susceptibility to, 1. Last evaluated: 2024-03-06. Review status: criteria provided, single submitter. Criteria: ACMG Guidelines, 2015. Collection method: clinical testing. Allele origin: germline. Not counted in ClinVar's aggregate classification.
Comment: This missense variant replaces glycine with arginine at codon 2434 of the RYR1 protein. Computational prediction suggests that this variant may have deleterious impact on protein structure and function. A study using genetically engineered mice has shown that mice carrying this variant develop malignant hyperthermia when exposed to halothane (PMID: 30236258). Further, functional studies on myotubes from the genetically engineered mice showed increased sensitivity to caffeine, halothane, and KCI in comparison to myotubes expressing wild-type RYR1 (PMID: 30236258). This variant has been reported in over 100 families and individuals affected with malignant hyperthermia susceptibility (PMID: 21455645, 23558838, 23842196, 24433488, 25268394, 25735680, 25960145, 27646467, 30236257, 30788618, 31206373). This variant has been identified in 11/282648 chromosomes in the general population by the Genome Aggregation Database (gnomAD). Based on the available evidence, this variant is classified as Pathogenic.

Rady Children's Institute for Genomic Medicine, Rady Children's Hospital San Diego
Classification: Pathogenic for RYR1-Related Disorders. Last evaluated: 2024-02-14. Review status: criteria provided, single submitter. Criteria: ACMG Guidelines, 2015. Collection method: clinical testing. Allele origin: germline. Affected: yes. Not counted in ClinVar's aggregate classification.
Comment: The c.7300G>A (p.Gly2434Arg) variant affects a moderately conserved amino acid and is predicted by multiple in silico tools to have a deleterious effect on protein function. This is a recurrent Pathogenic variant that has been previously reported as a heterozygous change patients with malignant hyperthermia (PMID: 7849712, 11668625, 19648156, 23842196, 25960145). The c.7300G>A (p.Gly2434Arg) variant is located in a mutational hotspot for pathogenic variations associated with malignant hyperthermia (PMID: 21118704). Functional studies indicate this variant may lead to an increased sensitivity to RYR1 agonists (PMID: 25960145, 30236258). The c.7300G>A (p.Gly2434Arg) variant is present in the heterozygous state in the gnomAD v4 population database at a frequency of 0.009% (156/1614004). Based on the available evidence, c.7300G>A (p.Gly2434Arg) is classified as Pathogenic.

Molecular Genetics, Royal Melbourne Hospital
Classification: Pathogenic for Malignant hyperthermia of anesthesia. Last evaluated: 2024-02-05. Review status: criteria provided, single submitter. Criteria: ACMG Guidelines, 2015. Collection method: clinical testing. Allele origin: germline. Inheritance: Autosomal dominant inheritance. Affected: yes. Not counted in ClinVar's aggregate classification.
Comment: This sequence change in RYR1 is predicted to replace glycine with arginine at codon 2434, p.(Gly2434Arg). The glycine residue is highly conserved (100 vertebrates, Multiz Alignments), and is located in exon 45 in the central region, amino acids 2,101-2,458, which is defined as a mutational hotspot. There is a large physicochemical difference between glycine and arginine. The highest population minor allele frequency in the population database gnomAD v4.0 is 0.01% (149/1,180,014 alleles) in the European (non-Finnish) population. The variant is the most common malignant hyperthermia susceptibility (MHS) variant detected in the United Kingdom (PMID: 30236257), and segregates with MHS in multiple families (PMID: 7849712). In vitro functional studies are supportive of a gain of function effect on intracellular calcium release and a knock-in mouse model recapitulates the human MHS response (PMID: 9334205, 27586648, 30236258). Computational evidence predicts a deleterious effect for the missense substitution (REVEL = 0.965). Based on the classification scheme RMH Modified ACMG/AMP Guidelines v1.6.1, this variant is classified as PATHOGENIC. Following criteria are met: PM1, PP1_Strong, PP3_Moderate, PS3, PS4.

Fulgent Genetics
Classification: Pathogenic for Central core myopathy; Malignant hyperthermia, susceptibility to, 1; Congenital multicore myopathy with external ophthalmoplegia; King Denborough syndrome. Last evaluated: 2024-01-18. Review status: criteria provided, single submitter. Criteria: ACMG Guidelines, 2015. Collection method: clinical testing. Allele origin: germline. Not counted in ClinVar's aggregate classification.